The following is an entry in ClinVar:

ClinVar aggregate classification (germline): Likely pathogenic (1 of 4 stars; one submission).

Conditions:
Dilated cardiomyopathy 1G (CMD1G). Identifiers: Orphanet 154, MedGen C1858763, MONDO:0011400, OMIM 604145.
Autosomal recessive limb-girdle muscular dystrophy type 2J (LGMDR10). Also called: Limb-girdle muscular dystrophy, type 2J; MUSCULAR DYSTROPHY, LIMB-GIRDLE, AUTOSOMAL RECESSIVE 10. Identifiers: Orphanet 140922, MedGen C1837342, MONDO:0012127, OMIM 608807.

Submission:

Labcorp Genetics (formerly Invitae), Labcorp
Classification: Likely pathogenic for Dilated cardiomyopathy 1G; Autosomal recessive limb-girdle muscular dystrophy type 2J. Last evaluated: 2023-09-21. Review status: criteria provided, single submitter. Criteria: Invitae Variant Classification Sherloc (09022015). Collection method: clinical testing. Allele origin: germline.
Comment: In summary, the currently available evidence indicates that the variant is pathogenic, but additional data are needed to prove that conclusively. Therefore, this variant has been classified as Likely Pathogenic. This variant is located in the A band of TTN (PMID: 25589632). Truncating variants in this region are significantly overrepresented in patients affected with dilated cardiomyopathy (PMID: 25589632). Truncating variants in this region have also been reported in individuals affected with autosomal recessive centronuclear myopathy (PMID: 23975875). This variant has not been reported in the literature in individuals affected with TTN-related conditions. This variant is not present in population databases (gnomAD no frequency). This sequence change creates a premature translational stop signal (p.Thr30438Profs*32) in the TTN gene. While this is not anticipated to result in nonsense mediated decay, it is expected to create a truncated TTN protein.

Literature cited by the submitters: PubMed 25589632; PubMed 23975875.

NM_001267550.2(TTN):c.91312del (p.Thr30438fs)

Genes: TTN (titin; minus strand), TTN-AS1 (TTN antisense RNA 1; plus strand). Cytogenetic location: 2q31.2.
Variant type: Deletion.
Coding change: c.91312del on transcript NM_001267550.2 (MANE Select); coding-DNA position 91312, one base deleted (A; older notation c.91312delA).
Protein change: p.Thr30438fs; shifts the reading frame from threonine 30438.
Molecular consequence: frameshift variant.
Genome position (GRCh38, 1-based): chr2:178,551,219, T deleted on the plus strand (A on the coding strand, the reverse complement: TTN is on the minus strand); the first of 3 consecutive T bases (chr2:178,551,219-178,551,221); deleting any one gives the same sequence. VCF-style (leftmost placement, unchanged base first): chr2-178551218-GT-G. GRCh37 (hg19) VCF-style: chr2-179415945-GT-G.
Other names: c.86389del, p.Thr28797fs (NM_001256850.1); c.64117del, p.Thr21373fs (NM_003319.4); c.83608del, p.Thr27870fs (NM_133378.4); c.64492del, p.Thr21498fs (NM_133432.3); c.64693del, p.Thr21565fs (NM_133437.4); short protein forms T21498fs, T28797fs, T30438fs, T21373fs, T27870fs, T21565fs.
Identifiers: ClinVar variation 2952112 (VCV002952112.3), dbSNP rs2469240863, ClinGen allele CA2740095988.
Genomic context (GRCh38, chr2:178,551,218, plus strand): 5'-CTATAGCCCACAATCTTACTGCCTCCATCACGCAATGGTGGGTTCCATTTAAGTGTGATG[GT>G]TTCCCGGGTGACATCAATGTAGTCAGGAGTGCCAGGTGGGTCTAAAAAATTATAAGGAAG-3'